The following is an entry in ClinVar:

NM_001170700.3(DTHD1):c.1532T>G (p.Leu511Trp)

Gene: DTHD1 (death domain containing 1; plus strand). Cytogenetic location: 4p14.
Variant type: single nucleotide variant.
Coding change: c.1532T>G on transcript NM_001170700.3 (MANE Select); coding-DNA position 1532, T replaced by G.
Protein change: p.Leu511Trp; replaces leucine 511 with tryptophan.
Molecular consequence: missense variant. On other transcripts: non-coding transcript variant (2).
Genome position (GRCh38, 1-based): chr4:36,294,928, T>G. VCF-style: chr4-36294928-T-G. GRCh37 (hg19) VCF-style: chr4-36296550-T-G.
Other names: c.662T>G, p.Leu221Trp (NM_001136536.5); c.599T>G, p.Leu200Trp (NM_001378435.1); c.1157T>G (NM_001170700.1); short protein forms L511W, L200W, L221W.
Identifiers: ClinVar variation 863833 (VCV000863833.8), dbSNP rs746352706, ClinGen allele CA95771928.
Genomic context (GRCh38, chr4:36,294,928, plus strand): 5'-CAAGCCCTCTGATTCACATTCAGCACCCATCAACTTATCCTTTTCAGAAGCCAGTCACTT[T>G]GTTTTTACCTTGTTCTCCATACCTTGATAAAAACAACCTTGGTTCTGAGATAGATCATAA-3'
Protein context (NP_001164171.2, residues 501-521): STYPFQKPVT[Leu511Trp]FLPCSPYLDK

ClinVar aggregate classification (germline): Uncertain significance. Review status: criteria provided, multiple submitters, no conflicts (2 of 4 stars). 2 submissions from 2 submitters: Uncertain significance (2). Last evaluated 2026-01-11.

Allele frequency attached by ClinVar (database versions not stated): TOPMed 0.00007; gnomAD exomes 0.00019 and 0.00004; gnomAD 0.00006.
gnomAD v4.1: 290 of 1,551,836 alleles (0.019%); highest among the groups gnomAD compares: Non-Finnish European, 0.023%; no homozygotes.

Submissions (2):

Labcorp Genetics (formerly Invitae), Labcorp
Classification: Uncertain significance. Last evaluated: 2026-01-11. Review status: criteria provided, single submitter. Criteria: Invitae Variant Classification Sherloc (09022015). Collection method: clinical testing. Allele origin: germline.
Comment: This sequence change replaces leucine, which is neutral and non-polar, with tryptophan, which is neutral and slightly polar, at codon 221 of the DTHD1 protein (p.Leu221Trp). This variant is present in population databases (rs746352706, gnomAD 0.008%). This variant has not been reported in the literature in individuals affected with DTHD1-related conditions. ClinVar contains an entry for this variant (Variation ID: 863833). An algorithm developed to predict the effect of missense changes on protein structure and function (PolyPhen-2) suggests that this variant is likely to be disruptive. In summary, the available evidence is currently insufficient to determine the role of this variant in disease. Therefore, it has been classified as a Variant of Uncertain Significance.

Ambry Genetics
Classification: Uncertain significance. Last evaluated: 2024-03-07. Review status: criteria provided, single submitter. Criteria: Ambry Variant Classification Scheme 2023. Collection method: clinical testing. Allele origin: germline.